The following is an entry in ClinVar:

NM_020297.4(ABCC9):c.4262_4267del (p.Ala1421_Leu1422del)

Genes: ABCC9 (ATP binding cassette subfamily C member 9; minus strand), KCNJ8-AS1 (KCNJ8 antisense RNA 1; plus strand). Cytogenetic location: 12p12.1.
Variant type: Deletion.
Coding change: c.4262_4267del on transcript NM_020297.4 (MANE Select); coding-DNA positions 4262 to 4267, 6 bases deleted (CCTTAG; older notation c.4262_4267delCCTTAG).
Protein change: p.Ala1421_Leu1422del.
Molecular consequence: inframe deletion.
Genome position (GRCh38, 1-based): chr12:21,809,900-21,809,905, CTAAGG deleted on the plus strand (CCTTAG on the coding strand, the reverse complement: ABCC9 is on the minus strand); deleting any 6 consecutive bases within chr12:21,809,900-21,809,907 gives the same sequence; the c. name uses the placement nearest the transcript's 3' end. VCF-style (leftmost placement, unchanged base first): chr12-21809899-TCTAAGG-T. GRCh37 (hg19) VCF-style: chr12-21962833-TCTAAGG-T.
Other names: c.4262_4267del, p.Ala1421_Leu1422del (NM_001377273.1, NM_005691.4); c.3395_3400del, p.Ala1132_Leu1133del (NM_001377274.1).
Identifiers: ClinVar variation 2808491 (VCV002808491.3), dbSNP rs1942113178, ClinGen allele CA2021296214.

ClinVar aggregate classification (germline): Uncertain significance (1 of 4 stars; one submission).

Conditions:
Dilated cardiomyopathy 1O (CMD1O). Also called: CARDIOMYOPATHY, DILATED, WITH VENTRICULAR TACHYCARDIA. Identifiers: Orphanet 154, MedGen C1837839, MONDO:0012062, OMIM 608569.

Submission:

Labcorp Genetics (formerly Invitae), Labcorp
Classification: Uncertain significance for Dilated cardiomyopathy 1O. Last evaluated: 2023-08-16. Review status: criteria provided, single submitter. Criteria: Invitae Variant Classification Sherloc (09022015). Collection method: clinical testing. Allele origin: germline.
Comment: In summary, the available evidence is currently insufficient to determine the role of this variant in disease. Therefore, it has been classified as a Variant of Uncertain Significance. Experimental studies and prediction algorithms are not available or were not evaluated, and the functional significance of this variant is currently unknown. This variant has not been reported in the literature in individuals affected with ABCC9-related conditions. This variant is not present in population databases (gnomAD no frequency). This variant, c.4262_4267del, results in the deletion of 2 amino acid(s) of the ABCC9 protein (p.Ala1421_Leu1422del), but otherwise preserves the integrity of the reading frame.